The following is an entry in ClinVar:

NM_001497.4(B4GALT1):c.540C>A (p.Ile180=)

Gene: B4GALT1 (beta-1,4-galactosyltransferase 1; minus strand). Cytogenetic location: 9p21.1.
Variant type: single nucleotide variant.
Coding change: c.540C>A on transcript NM_001497.4 (MANE Select); coding-DNA position 540, C replaced by A.
Protein change: p.Ile180=; no amino-acid change (isoleucine 180 retained).
Molecular consequence: synonymous variant.
Genome position (GRCh38, 1-based): chr9:33,135,297, G>T on the plus strand (C>A on the coding strand, the complement: B4GALT1 is on the minus strand). VCF-style: chr9-33135297-G-T. GRCh37 (hg19) VCF-style: chr9-33135295-G-T.
Other names: c.501C>A, p.Ile167= (NM_001378495.1); c.540C>A, p.Ile180= (NM_001378496.1, NM_001378497.1).
Identifiers: ClinVar variation 4821449 (VCV004821449.4).

ClinVar aggregate classification (germline): Likely benign (1 of 4 stars; one submission).

gnomAD v4.1: 3 of 1,614,214 alleles (0.00019%); highest among the groups gnomAD compares: Admixed American, 0.005%; no homozygotes.

Submission:

CeGaT Center for Human Genetics Tuebingen
Classification: Likely benign. Last evaluated: 2026-02-01. Review status: criteria provided, single submitter. Criteria: CeGaT Center For Human Genetics Tuebingen Variant Classification Criteria Version 2. Collection method: clinical testing. Allele origin: germline. Affected: yes. Observed: 1 variant allele.
Comment: B4GALT1: BP4, BP7